The following is an entry in ClinVar:

ClinVar aggregate classification (germline): Uncertain significance. Review status: criteria provided, multiple submitters, no conflicts (2 of 4 stars). 3 submissions from 3 submitters: Uncertain significance (3). Last evaluated 2024-11-19.

Conditions:
Charcot-Marie-Tooth disease type 2. Also called: Charcot-Marie-Tooth type 2. Identifiers: Orphanet 64746, MedGen C0270914, MONDO:0018993.

Allele frequency attached by ClinVar (database versions not stated): gnomAD exomes 0.00001; TOPMed below 0.00001; ExAC 0.00001.

Submissions (3):

GeneDx
Classification: Uncertain significance. Last evaluated: 2024-11-19. Review status: criteria provided, single submitter. Criteria: GeneDx Variant Classification Process June 2021. Collection method: clinical testing. Allele origin: germline. Affected: yes.
Comment: In silico analysis indicates that this missense variant does not alter protein structure/function; Has not been previously published as pathogenic or benign to our knowledge

Athena Diagnostics
Classification: Uncertain significance. Last evaluated: 2023-08-23. Review status: criteria provided, single submitter. Criteria: Athena Diagnostics Criteria. Collection method: clinical testing. Allele origin: unknown.
Comment: Available data are insufficient to determine the clinical significance of the variant at this time. The frequency of this variant in the general population is uninformative in assessment of its pathogenicity. Computational tools predict that this variant is not damaging.

Labcorp Genetics (formerly Invitae), Labcorp
Classification: Uncertain significance for Charcot-Marie-Tooth disease type 2. Last evaluated: 2019-10-16. Review status: criteria provided, single submitter. Criteria: Invitae Variant Classification Sherloc (09022015). Collection method: clinical testing. Allele origin: germline.
Comment: This variant has not been reported in the literature in individuals with MFN2-related conditions. In summary, the available evidence is currently insufficient to determine the role of this variant in disease. Therefore, it has been classified as a Variant of Uncertain Significance. Algorithms developed to predict the effect of missense changes on protein structure and function output the following: SIFT: "Tolerated"; PolyPhen-2: "Benign"; Align-GVGD: "Class C0". The valine amino acid residue is found in multiple mammalian species, suggesting that this missense change does not adversely affect protein function. These predictions have not been confirmed by published functional studies and their clinical significance is uncertain. This variant is present in population databases (rs763735861, ExAC 0.006%). This sequence change replaces isoleucine with valine at codon 11 of the MFN2 protein (p.Ile11Val). The isoleucine residue is moderately conserved and there is a small physicochemical difference between isoleucine and valine.

NM_014874.4(MFN2):c.31A>G (p.Ile11Val)

Gene: MFN2 (mitofusin 2; plus strand). Cytogenetic location: 1p36.22.
Variant type: single nucleotide variant.
Coding change: c.31A>G on transcript NM_014874.4 (MANE Select); coding-DNA position 31, A replaced by G.
Protein change: p.Ile11Val; replaces isoleucine 11 with valine.
Molecular consequence: missense variant.
Genome position (GRCh38, 1-based): chr1:11,989,199, A>G. VCF-style: chr1-11989199-A-G. GRCh37 (hg19) VCF-style: chr1-12049256-A-G.
Other names: c.31A>G, p.Ile11Val (NM_001127660.2); short protein forms I11V.
Identifiers: ClinVar variation 936052 (VCV000936052.11), dbSNP rs763735861, ClinGen allele CA598724.